The following is an entry in ClinVar:

NM_000965.5(RARB):c.854T>C (p.Leu285Pro)

Gene: RARB (retinoic acid receptor beta; plus strand). Cytogenetic location: 3p24.2.
Variant type: single nucleotide variant.
Coding change: c.854T>C on transcript NM_000965.5 (MANE Select); coding-DNA position 854, T replaced by C.
Protein change: p.Leu285Pro; replaces leucine 285 with proline.
Molecular consequence: missense variant. On other transcripts: non-coding transcript variant (1), intron variant (1).
Genome position (GRCh38, 1-based): chr3:25,593,570, T>C. VCF-style: chr3-25593570-T-C. GRCh37 (hg19) VCF-style: chr3-25635061-T-C.
Other names: c.875T>C, p.Leu292Pro (NM_001290216.3); c.518T>C, p.Leu173Pro (NM_001290217.2, NM_001290276.2, NM_016152.4); c.707T>C, p.Leu236Pro (NM_001290266.2); c.725T>C, p.Leu242Pro (NM_001290300.2); c.787-71T>C (NM_001290277.1); short protein forms L173P, L236P, L242P, L285P, L292P.
Identifiers: ClinVar variation 1303220 (VCV001303220.2), dbSNP rs2125325427, ClinGen allele CA351886312.
Genomic context (GRCh38, chr3:25,593,570, plus strand): 5'-GAATTTGCACCAGGTATACCCCAGAACAAGACACCATGACTTTCTCAGACGGCCTTACCC[T>C]AAATCGAACTCAGATGCACAATGCTGGATTTGGTCCTCTGACTGACCTTGTGTTCACCTT-3'
Protein context (NP_000956.2, residues 275-295): DTMTFSDGLT[Leu285Pro]NRTQMHNAGF

ClinVar aggregate classification (germline): Uncertain significance (1 of 4 stars; one submission).

Submission:

GeneDx
Classification: Uncertain significance. Last evaluated: 2020-08-17. Review status: criteria provided, single submitter. Criteria: GeneDx Variant Classification Process June 2021. Collection method: clinical testing. Allele origin: germline. Affected: yes.
Comment: Not observed in large population cohorts (Lek et al., 2016); In silico analysis supports that this missense variant has a deleterious effect on protein structure/function; Has not been previously published as pathogenic or benign to our knowledge